The following is an entry in ClinVar:

ClinVar aggregate classification (germline): Uncertain significance (1 of 4 stars; one submission).

Conditions:
Hereditary cancer-predisposing syndrome. Also called: Neoplastic Syndromes, Hereditary; Tumor predisposition; Hereditary Cancer Syndrome; Hereditary neoplastic syndrome. Identifiers: Orphanet 140162, MedGen C0027672, MeSH D009386, MONDO:0015356.

Submission:

Ambry Genetics
Classification: Uncertain significance for Hereditary cancer-predisposing syndrome. Last evaluated: 2024-09-13. Review status: criteria provided, single submitter. Criteria: Ambry Variant Classification Scheme 2023. Collection method: clinical testing. Allele origin: germline.
Comment: The p.F49S variant (also known as c.146T>C), located in coding exon 2 of the RB1 gene, results from a T to C substitution at nucleotide position 146. The phenylalanine at codon 49 is replaced by serine, an amino acid with highly dissimilar properties. This amino acid position is conserved. In addition, the in silico prediction for this alteration is inconclusive. Based on the available evidence, the clinical significance of this variant remains unclear.

NM_000321.3(RB1):c.146T>C (p.Phe49Ser)

Gene: RB1 (RB transcriptional corepressor 1; plus strand). Cytogenetic location: 13q14.2.
Variant type: single nucleotide variant.
Coding change: c.146T>C on transcript NM_000321.3 (MANE Select); coding-DNA position 146, T replaced by C.
Protein change: p.Phe49Ser; replaces phenylalanine 49 with serine.
Molecular consequence: missense variant.
Genome position (GRCh38, 1-based): chr13:48,307,288, T>C. VCF-style: chr13-48307288-T-C. GRCh37 (hg19) VCF-style: chr13-48881424-T-C.
Other names: c.146T>C, p.Phe49Ser (NM_001407165.1, NM_001407166.1, NM_001407167.1); short protein forms F49S.
Identifiers: ClinVar variation 3430884 (VCV003430884.1).
Genomic context (GRCh38, chr13:48,307,288, plus strand): 5'-TCAATTTGATTTATAAGTATATGCCAATTATATGATTATTTTCATTTGGTAGGCTTGAGT[T>C]TGAAGAAACAGAAGAACCTGATTTTACTGCATTATGTCAGAAATTAAAGATACCAGATCA-3'
Protein context (NP_000312.2, residues 39-59): PEDLPLVRLE[Phe49Ser]EETEEPDFTA